The following is an entry in ClinVar:

NM_000368.5(TSC1):c.1558C>A (p.His520Asn)

Gene: TSC1 (TSC complex subunit 1; minus strand). Cytogenetic location: 9q34.13.
Variant type: single nucleotide variant.
Coding change: c.1558C>A on transcript NM_000368.5 (MANE Select); coding-DNA position 1558, C replaced by A.
Protein change: p.His520Asn; replaces histidine 520 with asparagine.
Molecular consequence: missense variant. On other transcripts: non-coding transcript variant (5).
Genome position (GRCh38, 1-based): chr9:132,906,020, G>T on the plus strand (C>A on the coding strand, the complement: TSC1 is on the minus strand). VCF-style: chr9-132906020-G-T. GRCh37 (hg19) VCF-style: chr9-135781407-G-T.
Other names: c.1195C>A, p.His399Asn (NM_001406614.1, NM_001406615.1, NM_001406616.1 and 5 more transcripts); c.1558C>A, p.His520Asn (NM_001406606.1, NM_001406607.1, NM_001406592.1 and 7 more transcripts); c.1555C>A, p.His519Asn (NM_001406608.1, NM_001406609.1, NM_001162426.2 and 6 more transcripts); c.1405C>A, p.His469Asn (NM_001406610.1, NM_001162427.2); c.1402C>A, p.His468Asn (NM_001406611.1, NM_001406612.1, NM_001406613.1); c.1192C>A, p.His398Asn (NM_001406620.1, NM_001406621.1, NM_001406622.1 and 2 more transcripts); c.607C>A, p.His203Asn (NM_001406626.1); c.604C>A, p.His202Asn (NM_001406627.1, NM_001406628.1); and 1 more; short protein forms H398N, H468N, H469N, H169N, H202N, H203N, H399N, H520N.
Identifiers: ClinVar variation 2750859 (VCV002750859.3), dbSNP rs1845649293, ClinGen allele CA375365106.

ClinVar aggregate classification (germline): Uncertain significance (1 of 4 stars; one submission).

Conditions:
Tuberous sclerosis 1 (TSC1). Identifiers: Orphanet 805, MedGen C1854465, MONDO:0008612, OMIM 191100.

Submission:

Labcorp Genetics (formerly Invitae), Labcorp
Classification: Uncertain significance for Tuberous sclerosis 1. Last evaluated: 2023-08-07. Review status: criteria provided, single submitter. Criteria: Invitae Variant Classification Sherloc (09022015). Collection method: clinical testing. Allele origin: germline.
Comment: This sequence change replaces histidine, which is basic and polar, with asparagine, which is neutral and polar, at codon 520 of the TSC1 protein (p.His520Asn). This variant is not present in population databases (gnomAD no frequency). This variant has not been reported in the literature in individuals affected with TSC1-related conditions. Advanced modeling of protein sequence and biophysical properties (such as structural, functional, and spatial information, amino acid conservation, physicochemical variation, residue mobility, and thermodynamic stability) performed at Invitae indicates that this missense variant is not expected to disrupt TSC1 protein function. In summary, the available evidence is currently insufficient to determine the role of this variant in disease. Therefore, it has been classified as a Variant of Uncertain Significance.